The following is an entry in ClinVar:

ClinVar aggregate classification (germline): Uncertain significance (1 of 4 stars; one submission).

Conditions:
Rubinstein-Taybi syndrome due to EP300 haploinsufficiency. Also called: EP300-Related Rubinstein-Taybi Syndrome; RUBINSTEIN-TAYBI SYNDROME 2. Identifiers: Orphanet 353284, Orphanet 783, MedGen C3150941, MONDO:0013364, OMIM 613684.

Submission:

Labcorp Genetics (formerly Invitae), Labcorp
Classification: Uncertain significance for Rubinstein-Taybi syndrome due to EP300 haploinsufficiency. Last evaluated: 2025-11-05. Review status: criteria provided, single submitter. Criteria: Invitae Variant Classification Sherloc (09022015). Collection method: clinical testing. Allele origin: germline.
Comment: This sequence change replaces serine, which is neutral and polar, with glycine, which is neutral and non-polar, at codon 441 of the EP300 protein (p.Ser441Gly). This variant is not present in population databases (gnomAD no frequency). This variant has not been reported in the literature in individuals affected with EP300-related conditions. Invitae Evidence Modeling of protein sequence and biophysical properties (such as structural, functional, and spatial information, amino acid conservation, physicochemical variation, residue mobility, and thermodynamic stability) indicates that this missense variant is not expected to disrupt EP300 protein function with a negative predictive value of 95%. In summary, the available evidence is currently insufficient to determine the role of this variant in disease. Therefore, it has been classified as a Variant of Uncertain Significance.

NM_001429.4(EP300):c.1321A>G (p.Ser441Gly)

Gene: EP300 (EP300 lysine acetyltransferase; plus strand). Cytogenetic location: 22q13.2.
Variant type: single nucleotide variant.
Coding change: c.1321A>G on transcript NM_001429.4 (MANE Select); coding-DNA position 1321, A replaced by G.
Protein change: p.Ser441Gly; replaces serine 441 with glycine.
Molecular consequence: missense variant.
Genome position (GRCh38, 1-based): chr22:41,131,426, A>G. VCF-style: chr22-41131426-A-G. GRCh37 (hg19) VCF-style: chr22-41527430-A-G.
Other names: c.1321A>G, p.Ser441Gly (NM_001362843.2); short protein forms S441G.
Identifiers: ClinVar variation 4779252 (VCV004779252.1).